The following is an entry in ClinVar:

NM_000466.3(PEX1):c.1412A>G (p.Gln471Arg)

Gene: PEX1 (peroxisomal biogenesis factor 1; minus strand). Cytogenetic location: 7q21.2.
Variant type: single nucleotide variant.
Coding change: c.1412A>G on transcript NM_000466.3 (MANE Select); coding-DNA position 1412, A replaced by G.
Protein change: p.Gln471Arg; replaces glutamine 471 with arginine.
Molecular consequence: missense variant.
Genome position (GRCh38, 1-based): chr7:92,511,651, T>C on the plus strand (A>G on the coding strand, the complement: PEX1 is on the minus strand). VCF-style: chr7-92511651-T-C. GRCh37 (hg19) VCF-style: chr7-92140965-T-C.
Other names: c.1412A>G, p.Gln471Arg (NM_001282677.2); c.788A>G, p.Gln263Arg (NM_001282678.2); short protein forms Q471R, Q263R.
Identifiers: ClinVar variation 597752 (VCV000597752.9), dbSNP rs1219227236, ClinGen allele CA368191101.

ClinVar aggregate classification (germline): Uncertain significance. Review status: criteria provided, multiple submitters, no conflicts (2 of 4 stars). 2 submissions from 2 submitters: Uncertain significance (2). Last evaluated 2021-09-01.

Conditions:
Zellweger spectrum disorders (ZS). Also called: Zellweger Spectrum Disorder; Zellweger Spectrum; Zellweger syndrome; Zellweger Spectrum Disorder (ZSD). Identifiers: Orphanet 912, MedGen C0043459, MONDO:0019609.

Allele frequency attached by ClinVar (database versions not stated): gnomAD exomes below 0.00001; gnomAD 0.00001; TOPMed 0.00002.
gnomAD v4.1: 4 of 1,611,906 alleles (0.00025%); highest among the groups gnomAD compares: African/African-American, 0.0013%; no homozygotes.

Submissions (2):

Labcorp Genetics (formerly Invitae), Labcorp
Classification: Uncertain significance for Zellweger spectrum disorders. Last evaluated: 2021-09-01. Review status: criteria provided, single submitter. Criteria: Invitae Variant Classification Sherloc (09022015). Collection method: clinical testing. Allele origin: germline.
Comment: This sequence change replaces glutamine with arginine at codon 471 of the PEX1 protein (p.Gln471Arg). The glutamine residue is moderately conserved and there is a small physicochemical difference between glutamine and arginine. This variant is not present in population databases (ExAC no frequency). This variant has not been reported in the literature in individuals affected with PEX1-related conditions. ClinVar contains an entry for this variant (Variation ID: 597752). Algorithms developed to predict the effect of missense changes on protein structure and function (SIFT, PolyPhen-2, Align-GVGD) all suggest that this variant is likely to be tolerated. In summary, the available evidence is currently insufficient to determine the role of this variant in disease. Therefore, it has been classified as a Variant of Uncertain Significance.

Eurofins Ntd Llc (ga)
Classification: Uncertain significance. Last evaluated: 2018-07-03. Review status: criteria provided, single submitter. Criteria: EGL ClinVar v180209 classification definitions. Collection method: clinical testing. Allele origin: germline. Observed: 1 variant allele, 1 heterozygote.